The following is an entry in ClinVar:

ClinVar aggregate classification (germline): Uncertain significance (1 of 4 stars; one submission).

Submission:

Labcorp Genetics (formerly Invitae), Labcorp
Classification: Uncertain significance. Last evaluated: 2022-03-11. Review status: criteria provided, single submitter. Criteria: Invitae Variant Classification Sherloc (09022015). Collection method: clinical testing. Allele origin: germline.
Comment: This variant is not present in population databases (gnomAD no frequency). This sequence change replaces serine, which is neutral and polar, with arginine, which is basic and polar, at codon 613 of the MYO5B protein (p.Ser613Arg). In summary, the available evidence is currently insufficient to determine the role of this variant in disease. Therefore, it has been classified as a Variant of Uncertain Significance. Algorithms developed to predict the effect of missense changes on protein structure and function are either unavailable or do not agree on the potential impact of this missense change (SIFT: "Deleterious"; PolyPhen-2: "Benign"; Align-GVGD: "Class C0"). This variant has not been reported in the literature in individuals affected with MYO5B-related conditions.

NM_001080467.3(MYO5B):c.1839C>G (p.Ser613Arg)

Gene: MYO5B (myosin VB; minus strand). Cytogenetic location: 18q21.1.
Variant type: single nucleotide variant.
Coding change: c.1839C>G on transcript NM_001080467.3 (MANE Select); coding-DNA position 1839, C replaced by G.
Protein change: p.Ser613Arg; replaces serine 613 with arginine.
Molecular consequence: missense variant.
Genome position (GRCh38, 1-based): chr18:49,937,311, G>C on the plus strand (C>G on the coding strand, the complement: MYO5B is on the minus strand). VCF-style: chr18-49937311-G-C. GRCh37 (hg19) VCF-style: chr18-47463681-G-C.
Other names: short protein forms S613R.
Identifiers: ClinVar variation 2108898 (VCV002108898.4), dbSNP rs577718838, ClinGen allele CA402445925.
Genomic context (GRCh38, chr18:49,937,311, plus strand): 5'-GCCAACGGTTTTCTTGTGCTCCTTGTTGGAGACTTTCATGGGGGGTCTGGCAGAACGGAC[G>C]CTGATCTTCGAAGATGACCCCTTCCCAGGGGTGGTGGCAGGAACAGGGTCCTTGTCATCA-3'
Protein context (NP_001073936.1, residues 603-623): TPGKGSSSKI[Ser613Arg]VRSARPPMKV